The following is an entry in ClinVar:

ClinVar aggregate classification (germline): Uncertain significance (1 of 4 stars; one submission).

Conditions:
PKD1L1-related disorder. Also called: PKD1L1-related condition.

gnomAD v4.1: 3 of 1,611,100 alleles (0.00019%); highest among the groups gnomAD compares: Non-Finnish European, 0.00025%; no homozygotes.

Submission:

PreventionGenetics, part of Exact Sciences
Classification: Uncertain significance for PKD1L1-related condition. Last evaluated: 2026-02-20. Review status: criteria provided, single submitter. Criteria: ACMG Guidelines, 2015. Collection method: clinical testing. Allele origin: germline.
Comment: The PKD1L1 c.7511C>T variant is predicted to result in the amino acid substitution p.Ser2504Leu. To our knowledge, this variant has not been reported in the literature or in a large population database (gnomAD), indicating this variant is rare. At this time, the clinical significance of this variant is uncertain due to the absence of conclusive functional and genetic evidence.

NM_138295.5(PKD1L1):c.7511C>T (p.Ser2504Leu)

Genes: PKD1L1 (polycystin 1 like 1, transient receptor potential channel interacting; minus strand), PKD1L1-AS1 (PKD1L1 antisense RNA 1; plus strand). Cytogenetic location: 7p12.3.
Variant type: single nucleotide variant.
Coding change: c.7511C>T on transcript NM_138295.5 (MANE Select); coding-DNA position 7511, C replaced by T.
Protein change: p.Ser2504Leu; replaces serine 2504 with leucine.
Molecular consequence: missense variant.
Genome position (GRCh38, 1-based): chr7:47,811,887, G>A on the plus strand (C>T on the coding strand, the complement: PKD1L1 is on the minus strand). VCF-style: chr7-47811887-G-A. GRCh37 (hg19) VCF-style: chr7-47851485-G-A.
Other names: short protein forms S2504L.
Identifiers: ClinVar variation 4984255 (VCV004984255.1).
Genomic context (GRCh38, chr7:47,811,887, plus strand): 5'-ATGAGGTGGTACTGCAGGGCTGAGTCGCTGCGGAAGATGCTGAATGACTCCACCAGGGAT[G>A]AGGGGACGAGACTCCCCGTAGGGAGGATCTCCACTCTCAGGGACACGCTGGTGAAGAGTT-3'
Protein context (NP_612152.1, residues 2494-2514): EILPTGSLVP[Ser2504Leu]SLVESFSIFR